The following is an entry in ClinVar:

ClinVar aggregate classification (germline): Uncertain significance (1 of 4 stars; one submission).

Conditions:
Aortic valve disease 2 (AOVD2). Identifiers: MedGen C3542024, MONDO:0013902, OMIM 614823.

Submission:

Labcorp Genetics (formerly Invitae), Labcorp
Classification: Uncertain significance for Aortic valve disease 2. Last evaluated: 2025-02-28. Review status: criteria provided, single submitter. Criteria: Invitae Variant Classification Sherloc (09022015). Collection method: clinical testing. Allele origin: germline.
Comment: This sequence change creates a premature translational stop signal (p.Gly203Argfs*104) in the SMAD6 gene. While this is not anticipated to result in nonsense mediated decay, it is expected to disrupt the last 294 amino acid(s) of the SMAD6 protein. This variant is not present in population databases (gnomAD no frequency). This variant has not been reported in the literature in individuals affected with SMAD6-related conditions. Experimental studies and prediction algorithms are not available or were not evaluated, and the functional significance of this variant is currently unknown. In summary, the available evidence is currently insufficient to determine the role of this variant in disease. Therefore, it has been classified as a Variant of Uncertain Significance.

NM_005585.5(SMAD6):c.590_602dup (p.Gly203fs)

Gene: SMAD6 (SMAD family member 6; plus strand). Cytogenetic location: 15q22.31.
Variant type: Duplication.
Coding change: c.590_602dup on transcript NM_005585.5 (MANE Select); coding-DNA positions 590 to 602, 13 bases duplicated (CCCGCGGCGGCGT).
Protein change: p.Gly203fs; shifts the reading frame from glycine 203.
Molecular consequence: frameshift variant. On other transcripts: non-coding transcript variant (1).
Genome position (GRCh38, 1-based): chr15:66,703,848-66,703,860, CCCGCGGCGGCGT duplicated; duplicating any 13 consecutive bases within chr15:66,703,846-66,703,860 gives the same sequence; the c. name uses the placement nearest the transcript's 3' end. VCF-style (leftmost placement, unchanged base first): chr15-66703845-A-AGTCCCGCGGCGGC. GRCh37 (hg19) VCF-style: chr15-66996183-A-AGTCCCGCGGCGGC.
Other names: short protein forms G203fs.
Identifiers: ClinVar variation 4714110 (VCV004714110.1).